The following is an entry in ClinVar:

ClinVar aggregate classification (germline): Uncertain significance (1 of 4 stars; one submission).

Submission:

Labcorp Genetics (formerly Invitae), Labcorp
Classification: Uncertain significance. Last evaluated: 2022-10-23. Review status: criteria provided, single submitter. Criteria: Invitae Variant Classification Sherloc (09022015). Collection method: clinical testing. Allele origin: germline.
Comment: This variant has not been reported in the literature in individuals affected with COL9A3-related conditions. This sequence change replaces glutamine, which is neutral and polar, with proline, which is neutral and non-polar, at codon 489 of the COL9A3 protein (p.Gln489Pro). This variant is not present in population databases (gnomAD no frequency). Advanced modeling of protein sequence and biophysical properties (such as structural, functional, and spatial information, amino acid conservation, physicochemical variation, residue mobility, and thermodynamic stability) performed at Invitae indicates that this missense variant is not expected to disrupt COL9A3 protein function. In summary, the available evidence is currently insufficient to determine the role of this variant in disease. Therefore, it has been classified as a Variant of Uncertain Significance.

NM_001853.4(COL9A3):c.1466A>C (p.Gln489Pro)

Genes: COL9A3 (collagen type IX alpha 3 chain; plus strand), LOC126863084 (MED14-independent group 3 enhancer GRCh37_chr20:61467141-61468340; plus strand). Cytogenetic location: 20q13.33.
Variant type: single nucleotide variant.
Coding change: c.1466A>C on transcript NM_001853.4 (MANE Select); coding-DNA position 1466, A replaced by C.
Protein change: p.Gln489Pro; replaces glutamine 489 with proline.
Molecular consequence: missense variant.
Genome position (GRCh38, 1-based): chr20:62,836,251, A>C. VCF-style: chr20-62836251-A-C. GRCh37 (hg19) VCF-style: chr20-61467603-A-C.
Other names: short protein forms Q489P.
Identifiers: ClinVar variation 1722094 (VCV001722094.6), dbSNP rs2516085419, ClinGen allele CA409597163.